The following is an entry in ClinVar:

ClinVar aggregate classification (germline): Pathogenic. Review status: criteria provided, multiple submitters, no conflicts (2 of 4 stars). 3 submissions from 3 submitters: Pathogenic (2). 1 of the submissions does not count toward it. Last evaluated 2022-10-19.

Conditions:
Epilepsy, early-onset, vitamin B6-dependent. Also called: PLPBP Deficiency; EPILEPSY, EARLY-ONSET, 1, VITAMIN B6-DEPENDENT. Identifiers: MedGen C4310632, MONDO:0015005, OMIM 617290.

Allele frequency attached by ClinVar (database versions not stated): gnomAD exomes below 0.00001 and 0.00001; gnomAD 0.00001; TOPMed 0.00001.
gnomAD v4.1: 13 of 1,614,076 alleles (0.00081%); highest among the groups gnomAD compares: Non-Finnish European, 0.0011%; no homozygotes.

Submissions (3):

Labcorp Genetics (formerly Invitae), Labcorp
Classification: Pathogenic. Last evaluated: 2022-10-19. Review status: criteria provided, single submitter. Criteria: Invitae Variant Classification Sherloc (09022015). Collection method: clinical testing. Allele origin: germline.
Comment: This sequence change affects an acceptor splice site in intron 4 of the PROSC gene. It is expected to disrupt RNA splicing. Variants that disrupt the donor or acceptor splice site typically lead to a loss of protein function (PMID: 16199547), and loss-of-function variants in PROSC are known to be pathogenic (PMID: 27912044). This variant is present in population databases (no rsID available, gnomAD 0.002%). Disruption of this splice site has been observed in individual(s) with pyridoxine-dependent epilepsy (PMID: 27912044, 33766999). In at least one individual the data is consistent with being in trans (on the opposite chromosome) from a pathogenic variant. ClinVar contains an entry for this variant (Variation ID: 374855). Studies have shown that disruption of this splice site is associated with altered splicing resulting in unknown protein product impact (PMID: 27912044). For these reasons, this variant has been classified as Pathogenic.

Rady Children's Institute for Genomic Medicine, Rady Children's Hospital San Diego
Classification: Pathogenic for EPILEPSY, EARLY-ONSET, VITAMIN B6-DEPENDENT. Last evaluated: 2020-01-16. Review status: criteria provided, single submitter. Criteria: ACMG Guidelines, 2015. Collection method: clinical testing. Allele origin: germline. Affected: yes.
Comment: This variant abolishes the canonical splice acceptor site of intron 4 and is therefore predicted to lead to abnormal splicing. This variant has been previously reported as a compound heterozygous change with a second canonical splice site variant, c.207+1G>A, in a patient with Epilepsy, early-onset, vitamin B6-dependent (PMID: 27912044). Analysis of cDNA generated from RNA extracted from fibroblasts of the previously described patient showed that c.320-2A>G and c.207+1G>A affect DNA splicing and result in decreased mRNA expression. In addition, western blot analysis showed minimally detectable PROSC protein (PMID: 27912044). The c.320-2A>G variant is present in the heterozygous state in the gnomAD population database at a frequency of 0.0007% (2/282858) and is absent in the homozygous state, thus is presumed to be rare. Multiple splice prediction tools suggest this variant is likely to interfere with normal splicing. Based on the available evidence, the c.320-2A>G variant is classified as Pathogenic.

OMIM
Classification: Pathogenic for EPILEPSY, EARLY-ONSET, 1, VITAMIN B6-DEPENDENT. Last evaluated: 2023-08-14. Review status: no assertion criteria provided. Collection method: literature only. Allele origin: germline. Not counted in ClinVar's aggregate classification.

Literature cited by the submitters: PubMed 16199547 (cited by Labcorp Genetics (formerly Invitae), Labcorp); PubMed 27912044 (cited by Labcorp Genetics (formerly Invitae), Labcorp and OMIM); PubMed 33766999 (cited by Labcorp Genetics (formerly Invitae), Labcorp).

NM_007198.4(PLPBP):c.320-2A>G

Gene: PLPBP (pyridoxal phosphate binding protein; plus strand). Cytogenetic location: 8p11.23.
Variant type: single nucleotide variant.
Coding change: c.320-2A>G on transcript NM_007198.4 (MANE Select); the canonical splice acceptor site of the intron before coding-DNA position 320, A replaced by G.
Molecular consequence: splice acceptor variant.
Genome position (GRCh38, 1-based): chr8:37,772,753, A>G. VCF-style: chr8-37772753-A-G. GRCh37 (hg19) VCF-style: chr8-37630271-A-G.
Other names: IVS4AS, A-G, -2; c.320-2A>G (NM_001349346.2); c.314-2A>G (NM_001349347.2); c.164-2A>G (NM_001349348.2).
Identifiers: ClinVar variation 374855 (VCV000374855.11), dbSNP rs1057519424, ClinGen allele CA16044176.